The following is an entry in ClinVar:

NM_032043.3(BRIP1):c.547T>C (p.Leu183=)

Gene: BRIP1 (BRCA1 interacting DNA helicase 1; minus strand). Cytogenetic location: 17q23.2.
Variant type: single nucleotide variant.
Coding change: c.547T>C on transcript NM_032043.3 (MANE Select); coding-DNA position 547, T replaced by C.
Protein change: p.Leu183=; no amino-acid change (leucine 183 retained).
Molecular consequence: synonymous variant.
Genome position (GRCh38, 1-based): chr17:61,847,181, A>G on the plus strand (T>C on the coding strand, the complement: BRIP1 is on the minus strand). VCF-style: chr17-61847181-A-G. GRCh37 (hg19) VCF-style: chr17-59924542-A-G.
Identifiers: ClinVar variation 1747800 (VCV001747800.3), dbSNP rs2545406903, ClinGen allele CA501150654.

ClinVar aggregate classification (germline): Benign/Likely benign. Review status: criteria provided, multiple submitters, no conflicts (2 of 4 stars). 2 submissions from 2 submitters: Benign (1); Likely benign (1). Last evaluated 2024-08-21.

Conditions:
Hereditary cancer-predisposing syndrome. Also called: Hereditary Cancer Syndrome; Hereditary neoplastic syndrome; Neoplastic Syndromes, Hereditary; Tumor predisposition. Identifiers: Orphanet 140162, MedGen C0027672, MeSH D009386, MONDO:0015356.
Familial cancer of breast. Also called: BREAST CANCER, FAMILIAL; hereditary breast carcinoma; Hereditary breast cancer. Identifiers: Orphanet 227535, MedGen C0346153, MONDO:0016419, OMIM 114480. Disease mechanism: loss of function.

Submissions (2):

Myriad Genetics, Inc.
Classification: Benign for Familial cancer of breast. Last evaluated: 2024-08-21. Review status: criteria provided, single submitter. Criteria: Myriad Autosomal Dominant, Autosomal Recessive and X-Linked Classification Criteria (2023). Collection method: clinical testing. Allele origin: unknown.
Comment: This variant is considered benign. This variant is a silent/synonymous amino acid change and it is not expected to impact splicing.

Ambry Genetics
Classification: Likely benign for Hereditary cancer-predisposing syndrome. Last evaluated: 2021-12-30. Review status: criteria provided, single submitter. Criteria: Ambry Variant Classification Scheme 2023. Collection method: clinical testing. Allele origin: germline.